The following is an entry in ClinVar:

ClinVar aggregate classification (germline): Likely benign. Review status: criteria provided, multiple submitters, no conflicts (2 of 4 stars). 2 submissions from 2 submitters: Likely benign (2). Last evaluated 2026-06-05.

Conditions:
PNLIP-related disorder. Also called: PNLIP-related condition.

Allele frequency attached by ClinVar (database versions not stated): 1000 Genomes Project 0.00040; 1000 Genomes Project 30x 0.00047; gnomAD 0.00050; TOPMed 0.00056; ESP Exome Variant Server 0.00062; gnomAD exomes 0.00069; ExAC 0.00090.
gnomAD v4.1: 1,078 of 1,575,102 alleles (0.068%); highest among the groups gnomAD compares: Non-Finnish European, 0.084%; 3 homozygotes.

Submissions (2):

PreventionGenetics, part of Exact Sciences
Classification: Likely benign for PNLIP-related condition. Last evaluated: 2026-06-05. Review status: criteria provided, single submitter. Criteria: ACMG Guidelines, 2015. Collection method: clinical testing. Allele origin: germline.
Comment: This variant is classified as likely benign based on ACMG/AMP sequence variant interpretation guidelines (Richards et al. 2015 PMID: 25741868, with internal and published modifications).

Labcorp Genetics (formerly Invitae), Labcorp
Classification: Likely benign. Last evaluated: 2026-02-01. Review status: criteria provided, single submitter. Criteria: Invitae Variant Classification Sherloc (09022015). Collection method: clinical testing. Allele origin: germline.

NM_000936.4(PNLIP):c.325-5A>G

Gene: PNLIP (pancreatic lipase; plus strand). Cytogenetic location: 10q25.3.
Variant type: single nucleotide variant.
Coding change: c.325-5A>G on transcript NM_000936.4 (MANE Select); 5 bases into the intron before coding-DNA position 325, A replaced by G.
Molecular consequence: intron variant.
Genome position (GRCh38, 1-based): chr10:116,551,093, A>G. VCF-style: chr10-116551093-A-G. GRCh37 (hg19) VCF-style: chr10-118310605-A-G.
Other names: c.325-5A>G (NM_000936.3).
Identifiers: ClinVar variation 2062327 (VCV002062327.5), dbSNP rs143378802, ClinGen allele CA5706443.
Genomic context (GRCh38, chr10:116,551,093, plus strand): 5'-TATGTTAACTAGTAATTAATAAAGATCCTGAATTATTTATCTGTTTATTGTGCCCCTTCC[A>G]CCAGAATCTGTTCAAGGTGGAAAGTGTGAACTGTATCTGTGTGGACTGGAAAGGTGGCTC-3'